The following is an entry in ClinVar:

ClinVar aggregate classification (germline): Uncertain significance (1 of 4 stars; one submission).

gnomAD v4.1: 7 of 1,614,078 alleles (0.00043%); highest among the groups gnomAD compares: Non-Finnish European, 0.00059%; no homozygotes.

Submission:

Women's Health and Genetics/Laboratory Corporation of America, LabCorp
Classification: Uncertain significance. Last evaluated: 2026-02-02. Review status: criteria provided, single submitter. Criteria: LabCorp Variant Classification Summary - May 2015. Collection method: clinical testing. Allele origin: germline.
Comment: Variant summary: PSAP c.644A>G (p.Asn215Ser) results in a conservative amino acid change in the encoded protein sequence. Algorithms developed to predict the effect of missense changes on protein structure and function are either unavailable or do not agree on the potential impact of this missense change. The variant was absent in 251494 control chromosomes. To our knowledge, no occurrence of c.644A>G in individuals affected with PSAP-related conditions and no experimental evidence demonstrating its impact on protein function have been reported. Multiple variants located at the same codon (c.645C>A, p.Asn215Lys; c.643A>C, p.Asn215His) have been classified as Pathogenic/Likely Pathogenic, supporting a critical relevance of this residue to PSAP protein function. No submitters have cited clinical-significance assessments for this variant to ClinVar. Based on the evidence outlined above, the variant was classified as VUS-possibly pathogenic.

NM_002778.4(PSAP):c.644A>G (p.Asn215Ser)

Gene: PSAP (prosaposin; minus strand). Cytogenetic location: 10q22.1.
Variant type: single nucleotide variant.
Coding change: c.644A>G on transcript NM_002778.4 (MANE Select); coding-DNA position 644, A replaced by G.
Protein change: p.Asn215Ser; replaces asparagine 215 with serine.
Molecular consequence: missense variant.
Genome position (GRCh38, 1-based): chr10:71,828,090, T>C on the plus strand (A>G on the coding strand, the complement: PSAP is on the minus strand). VCF-style: chr10-71828090-T-C. GRCh37 (hg19) VCF-style: chr10-73587847-T-C.
Other names: c.644A>G, p.Asn215Ser (NM_001042465.3, NM_001042466.3); short protein forms N215S.
Identifiers: ClinVar variation 4848111 (VCV004848111.1).